The following is an entry in ClinVar:

NM_000264.5(PTCH1):c.3803C>G (p.Thr1268Ser)

Gene: PTCH1 (patched 1; minus strand). Cytogenetic location: 9q22.32.
Variant type: single nucleotide variant.
Coding change: c.3803C>G on transcript NM_000264.5 (MANE Select); coding-DNA position 3803, C replaced by G.
Protein change: p.Thr1268Ser; replaces threonine 1268 with serine.
Molecular consequence: missense variant. On other transcripts: non-coding transcript variant (1).
Genome position (GRCh38, 1-based): chr9:95,449,070, G>C on the plus strand (C>G on the coding strand, the complement: PTCH1 is on the minus strand). VCF-style: chr9-95449070-G-C. GRCh37 (hg19) VCF-style: chr9-98211352-G-C.
Other names: c.3605C>G, p.Thr1202Ser (NM_001083602.3); c.3800C>G, p.Thr1267Ser (NM_001083603.3); c.3350C>G, p.Thr1117Ser (NM_001083604.3, NM_001083605.3, NM_001083606.3 and 1 more transcripts); c.3647C>G, p.Thr1216Ser (NM_001354918.2); short protein forms T1202S, T1268S, T1117S, T1216S, T1267S.
Identifiers: ClinVar variation 453866 (VCV000453866.12), dbSNP rs1554689262, ClinGen allele CA374110903.
Genomic context (GRCh38, chr9:95,449,070, plus strand): 5'-CTCCAGGCCCACTACCACGGTGGGAAGACCCCTCCCCCTGGTTCTGCAGAGTCACTTACA[G>C]TGGAGTGGGCGAAGACGGGGTTTTCTGTGGCTTCCACGATCACTTGGTGGGCAGGGCCTC-3'
Protein context (NP_000255.2, residues 1258-1278): ATENPVFAHS[Thr1268Ser]VVHPESRHHP

ClinVar aggregate classification (germline): Uncertain significance. Review status: criteria provided, multiple submitters, no conflicts (2 of 4 stars). 2 submissions from 2 submitters: Uncertain significance (2). Last evaluated 2026-04-04.

Conditions:
Hereditary cancer-predisposing syndrome. Also called: Hereditary Cancer Syndrome; Tumor predisposition; Hereditary neoplastic syndrome; Neoplastic Syndromes, Hereditary. Identifiers: Orphanet 140162, MedGen C0027672, MeSH D009386, MONDO:0015356.
Gorlin syndrome. Also called: Basal cell nevus syndrome; Nevoid Basal Cell Carcinoma Syndrome. Identifiers: Orphanet 377, MedGen C0004779, MONDO:0007187.

Allele frequency attached by ClinVar (database versions not stated): gnomAD exomes below 0.00001.
gnomAD v4.1: 1 of 1,614,236 alleles (0.000062%); highest among the groups gnomAD compares: Admixed American, 0.0017%; no homozygotes.

Submissions (2):

Ambry Genetics
Classification: Uncertain significance for Hereditary cancer-predisposing syndrome. Last evaluated: 2026-04-04. Review status: criteria provided, single submitter. Criteria: Ambry Variant Classification Scheme 2023. Collection method: clinical testing. Allele origin: germline.
Comment: The p.T1268S variant (also known as c.3803C>G), located in coding exon 22 of the PTCH1 gene, results from a C to G substitution at nucleotide position 3803. The threonine at codon 1268 is replaced by serine, an amino acid with similar properties. This amino acid position is conserved. In addition, this alteration is predicted to be tolerated by in silico analysis. Based on the available evidence, the clinical significance of this variant remains unclear.

Labcorp Genetics (formerly Invitae), Labcorp
Classification: Uncertain significance for Gorlin syndrome. Last evaluated: 2020-03-12. Review status: criteria provided, single submitter. Criteria: Invitae Variant Classification Sherloc (09022015). Collection method: clinical testing. Allele origin: germline.
Comment: Algorithms developed to predict the effect of missense changes on protein structure and function output the following: SIFT: "Tolerated"; PolyPhen-2: "Benign"; Align-GVGD: "Class C0". The serine amino acid residue is found in multiple mammalian species, suggesting that this missense change does not adversely affect protein function. These predictions have not been confirmed by published functional studies and their clinical significance is uncertain. Algorithms developed to predict the effect of sequence changes on RNA splicing suggest that this variant may create or strengthen a splice site, but this prediction has not been confirmed by published transcriptional studies. In summary, the available evidence is currently insufficient to determine the role of this variant in disease. Therefore, it has been classified as a Variant of Uncertain Significance. This variant has not been reported in the literature in individuals with PTCH1-related disease. This variant is not present in population databases (ExAC no frequency). This sequence change replaces threonine with serine at codon 1268 of the PTCH1 protein (p.Thr1268Ser). The threonine residue is moderately conserved and there is a small physicochemical difference between threonine and serine.